The following is an entry in ClinVar:

ClinVar aggregate classification (germline): Uncertain significance (1 of 4 stars; one submission).

Conditions:
Developmental and epileptic encephalopathy, 2 (DEE2). Also called: INFANTILE SPASM SYNDROME, X-LINKED 2; CDKL5 deficiency disorder. Identifiers: Orphanet 1934, Orphanet 3451, Orphanet 505652, MedGen C4750718, MONDO:0010396, OMIM 300672.

Submission:

3billion
Classification: Uncertain significance for Developmental and epileptic encephalopathy, 2. Review status: criteria provided, single submitter. Criteria: ACMG Guidelines, 2015. Collection method: clinical testing. Allele origin: unknown. Affected: yes. Observed: 1 hemizygote.
Comment: The variant is not observed in the gnomAD v2.1.1 dataset. In silico tool predictions suggest damaging effect of the variant on gene or gene product (3Cnet: 0.84). However, the evidence of pathogenicity is insufficient at this time. Therefore, this variant is classified as Uncertain significance according to the recommendation of ACMG/AMP guideline.

NM_001323289.2(CDKL5):c.46C>G (p.Leu16Val)

Gene: CDKL5 (cyclin dependent kinase like 5; plus strand). Cytogenetic location: Xp22.13.
Variant type: single nucleotide variant.
Coding change: c.46C>G on transcript NM_001323289.2 (MANE Select); coding-DNA position 46, C replaced by G.
Protein change: p.Leu16Val; replaces leucine 16 with valine.
Molecular consequence: missense variant.
Genome position (GRCh38, 1-based): chrX:18,507,142, C>G. VCF-style: chrX-18507142-C-G. GRCh37 (hg19) VCF-style: chrX-18525262-C-G.
Other names: c.46C>G, p.Leu16Val (NM_001037343.2, NM_003159.3); short protein forms L16V.
Identifiers: ClinVar variation 2572481 (VCV002572481.1), dbSNP rs2518776882, ClinGen allele CA412489584.
Genomic context (GRCh38, chrX:18,507,142, plus strand): 5'-GAGGAGTTTGTCTTCATGAAGATTCCTAACATTGGTAATGTGATGAATAAATTTGAGATC[C>G]TTGGGGTTGTAGGTGAAGGTAAGTTGGAATTTTTGCGTTCCTTGAGTTTTGAGCAATGAA-3'
Protein context (NP_001310218.1, residues 6-26): IGNVMNKFEI[Leu16Val]GVVGEGAYGV